The following is an entry in ClinVar:

NM_001367624.2(ZNF469):c.4889T>C (p.Val1630Ala)

Gene: ZNF469 (zinc finger protein 469; plus strand). Cytogenetic location: 16q24.2.
Variant type: single nucleotide variant.
Coding change: c.4889T>C on transcript NM_001367624.2 (MANE Select); coding-DNA position 4889, T replaced by C.
Protein change: p.Val1630Ala; replaces valine 1630 with alanine.
Molecular consequence: missense variant.
Genome position (GRCh38, 1-based): chr16:88,432,359, T>C. VCF-style: chr16-88432359-T-C. GRCh37 (hg19) VCF-style: chr16-88498767-T-C.
Other names: NM_001127464.1:c.4805T>C; short protein forms V1630A.
Identifiers: ClinVar variation 3258282 (VCV003258282.1).

ClinVar aggregate classification (germline): Uncertain significance (1 of 4 stars; one submission).

Conditions:
Cardiovascular phenotype. Identifiers: MedGen CN230736.

gnomAD v4.1: 2 of 1,548,538 alleles (0.00013%); highest among the groups gnomAD compares: Admixed American, 0.002%; no homozygotes.

Submission:

Ambry Genetics
Classification: Uncertain significance for Cardiovascular phenotype. Last evaluated: 2024-06-11. Review status: criteria provided, single submitter. Criteria: Ambry Variant Classification Scheme 2023. Collection method: clinical testing. Allele origin: germline.
Comment: The p.V1602A variant (also known as c.4805T>C), located in coding exon 2 of the ZNF469 gene, results from a T to C substitution at nucleotide position 4805. The valine at codon 1602 is replaced by alanine, an amino acid with similar properties. This amino acid position is conserved. In addition, this alteration is predicted to be tolerated by in silico analysis. Based on the available evidence, the clinical significance of this variant remains unclear.